The following is an entry in ClinVar:

NM_001377.3(DYNC2H1):c.9158G>A (p.Arg3053Gln)

Gene: DYNC2H1 (dynein cytoplasmic 2 heavy chain 1; plus strand). Cytogenetic location: 11q22.3.
Variant type: single nucleotide variant.
Coding change: c.9158G>A on transcript NM_001377.3 (MANE Select); coding-DNA position 9158, G replaced by A.
Protein change: p.Arg3053Gln; replaces arginine 3053 with glutamine.
Molecular consequence: missense variant.
Genome position (GRCh38, 1-based): chr11:103,222,080, G>A. VCF-style: chr11-103222080-G-A. GRCh37 (hg19) VCF-style: chr11-103092809-G-A.
Other names: c.9158G>A, p.Arg3053Gln (NM_001080463.2); short protein forms R3053Q.
Identifiers: ClinVar variation 1434219 (VCV001434219.6), dbSNP rs183985095, ClinGen allele CA6254620.

ClinVar aggregate classification (germline): Conflicting classifications of pathogenicity. Review status: criteria provided, conflicting classifications (1 of 4 stars). 2 submissions from 2 submitters: Uncertain significance (1); Likely benign (1). Last evaluated 2024-11-27.

Conditions:
Jeune thoracic dystrophy. Also called: Jeune syndrome; Infantile thoracic dystrophy; Thoracic pelvic phalangeal dystrophy; Jeune's syndrome; Chondroectodermal dysplasia-like syndrome; Short-rib thoracic dysplasia. Identifiers: Orphanet 474, MedGen C0265275, MONDO:0018770.

Allele frequency attached by ClinVar (database versions not stated): gnomAD exomes 0.00005 and 0.00015; ExAC 0.00012; ESP Exome Variant Server 0.00026; gnomAD 0.00039 and 0.00043; TOPMed 0.00045; 1000 Genomes Project 30x 0.00078; 1000 Genomes Project 0.00080.
gnomAD v4.1: 136 of 1,610,222 alleles (0.0084%); highest among the groups gnomAD compares: African/African-American, 0.14%; no homozygotes.

Submissions (2):

Blueprint Genetics
Classification: Likely benign. Last evaluated: 2024-11-27. Review status: criteria provided, single submitter. Criteria: ACMG Guidelines, 2015. Collection method: clinical testing. Allele origin: germline.

Labcorp Genetics (formerly Invitae), Labcorp
Classification: Uncertain significance for Jeune thoracic dystrophy. Last evaluated: 2022-04-06. Review status: criteria provided, single submitter. Criteria: Invitae Variant Classification Sherloc (09022015). Collection method: clinical testing. Allele origin: germline.
Comment: This sequence change replaces arginine, which is basic and polar, with glutamine, which is neutral and polar, at codon 3053 of the DYNC2H1 protein (p.Arg3053Gln). This variant is present in population databases (rs183985095, gnomAD 0.2%). This variant has not been reported in the literature in individuals affected with DYNC2H1-related conditions. Algorithms developed to predict the effect of missense changes on protein structure and function are either unavailable or do not agree on the potential impact of this missense change (SIFT: "Deleterious"; PolyPhen-2: "Possibly Damaging"; Align-GVGD: "Class C0"). In summary, the available evidence is currently insufficient to determine the role of this variant in disease. Therefore, it has been classified as a Variant of Uncertain Significance.